The following is an entry in ClinVar:

NM_016169.4(SUFU):c.661del (p.Glu221fs)

Gene: SUFU (SUFU negative regulator of hedgehog signaling; plus strand). Cytogenetic location: 10q24.32.
Variant type: Deletion.
Coding change: c.661del on transcript NM_016169.4 (MANE Select); coding-DNA position 661, one base deleted (G; older notation c.661delG).
Protein change: p.Glu221fs; shifts the reading frame from glutamic acid 221.
Molecular consequence: frameshift variant.
Genome position (GRCh38, 1-based): chr10:102,593,699, G deleted; the last of 2 consecutive G bases (chr10:102,593,698-102,593,699); deleting either gives the same sequence. VCF-style (leftmost placement, unchanged base first): chr10-102593697-TG-T. GRCh37 (hg19) VCF-style: chr10-104353454-TG-T.
Other names: c.661del, p.Glu221fs (NM_001178133.2); short protein forms E221fs.
Identifiers: ClinVar variation 3759933 (VCV003759933.2).
Genomic context (GRCh38, chr10:102,593,697, plus strand): 5'-TCGTTGGTGTCTGCACTGAAGAGCTACACTCAGCCCAGCAGTGGAACGGGCAGGGCATCC[TG>T]GAGCTGCTGCGGACAGTGCCTATGTGAGTACCCATGCAAGGTGGGAGCGCGGCTCCCTGG-3'

ClinVar aggregate classification (germline): Pathogenic (1 of 4 stars; one submission).

Conditions:
Gorlin syndrome. Also called: Basal cell nevus syndrome; Nevoid Basal Cell Carcinoma Syndrome. Identifiers: Orphanet 377, MedGen C0004779, MONDO:0007187.
Medulloblastoma (MDB). Also called: MEDULLOBLASTOMA PREDISPOSITION SYNDROME; Medulloblastoma, somatic. Identifiers: Orphanet 616, MedGen C0025149, MeSH D008527, MONDO:0007959, OMIM 155255, HP:0002885.

Submission:

Labcorp Genetics (formerly Invitae), Labcorp
Classification: Pathogenic for Gorlin syndrome; Medulloblastoma. Last evaluated: 2024-12-02. Review status: criteria provided, single submitter. Criteria: Invitae Variant Classification Sherloc (09022015). Collection method: clinical testing. Allele origin: germline.
Comment: This sequence change creates a premature translational stop signal (p.Glu221Serfs*14) in the SUFU gene. It is expected to result in an absent or disrupted protein product. Loss-of-function variants in SUFU are known to be pathogenic (PMID: 22508808, 25403219, 33024317). This variant is not present in population databases (gnomAD no frequency). This variant has not been reported in the literature in individuals affected with SUFU-related conditions. For these reasons, this variant has been classified as Pathogenic.

Literature cited by the submitters: PubMed 22508808; PubMed 25403219; PubMed 33024317.